The following is an entry in ClinVar:

ClinVar aggregate classification (germline): Uncertain significance (1 of 4 stars; one submission).

Conditions:
Long QT syndrome (LQTS). Identifiers: MedGen C0023976, MeSH D008133, MONDO:0002442. Disease mechanism: loss of function. Inheritance: Various modes of inheritance.

Submission:

Labcorp Genetics (formerly Invitae), Labcorp
Classification: Uncertain significance for Long QT syndrome. Last evaluated: 2025-08-11. Review status: criteria provided, single submitter. Criteria: Invitae Variant Classification Sherloc (09022015). Collection method: clinical testing. Allele origin: germline.
Comment: This sequence change replaces leucine, which is neutral and non-polar, with valine, which is neutral and non-polar, at codon 1046 of the ANK2 protein (p.Leu1046Val). This variant is not present in population databases (gnomAD no frequency). This variant has not been reported in the literature in individuals affected with ANK2-related conditions. An algorithm developed to predict the effect of missense changes on protein structure and function (PolyPhen-2) suggests that this variant is likely to be disruptive. In summary, the available evidence is currently insufficient to determine the role of this variant in disease. Therefore, it has been classified as a Variant of Uncertain Significance.

NM_001148.6(ANK2):c.3136C>G (p.Leu1046Val)

Gene: ANK2 (ankyrin 2; plus strand). Cytogenetic location: 4q26.
Variant type: single nucleotide variant.
Coding change: c.3136C>G on transcript NM_001148.6 (MANE Select); coding-DNA position 3136, C replaced by G.
Protein change: p.Leu1046Val; replaces leucine 1046 with valine.
Molecular consequence: missense variant. On other transcripts: intron variant (42).
Genome position (GRCh38, 1-based): chr4:113,331,982, C>G. VCF-style: chr4-113331982-C-G. GRCh37 (hg19) VCF-style: chr4-114253138-C-G.
Other names: c.3109C>G, p.Leu1037Val (NM_001127493.3); c.3148C>G, p.Leu1050Val (NM_001354225.2); c.3178C>G, p.Leu1060Val (NM_001354231.2, NM_001354242.2); c.3172C>G, p.Leu1058Val (NM_001354232.2); c.3133C>G, p.Leu1045Val (NM_001354235.2, NM_001354246.2, NM_001354265.2); c.3214C>G, p.Leu1072Val (NM_001354237.2); c.3106C>G, p.Leu1036Val (NM_001354239.2, NM_001354252.2); c.3181C>G, p.Leu1061Val (NM_001354240.2, NM_001354241.2, NM_001386144.1); and 28 more; short protein forms L1025V, L1037V, L1045V, L1050V, L1060V, L1029V, L1036V, L1058V.
Identifiers: ClinVar variation 4725204 (VCV004725204.1).